The following is an entry in ClinVar:

ClinVar aggregate classification (germline): Uncertain significance. Review status: criteria provided, multiple submitters, no conflicts (2 of 4 stars). 3 submissions from 3 submitters: Uncertain significance (3). Last evaluated 2025-05-24.

Conditions:
Inborn genetic diseases. Identifiers: MedGen C0950123, MeSH D030342.
Acute myeloid leukemia (AML). Also called: Acute myeloid leukemia, adult; AML adult; Acute non-lymphocytic leukemia; Acute granulocytic leukemia; Leukemia, acute myeloid, somatic; Leukemia, acute myelogenous, somatic. Identifiers: Orphanet 519, MedGen C0023467, MeSH D015470, MONDO:0018874, OMIM 601626, HP:0004808. Disease mechanism: Constitutively activated FLT3.

Allele frequency attached by ClinVar (database versions not stated): gnomAD 0.00001; TOPMed 0.00001.

Submissions (3):

Labcorp Genetics (formerly Invitae), Labcorp
Classification: Uncertain significance for Acute myeloid leukemia. Last evaluated: 2025-05-24. Review status: criteria provided, single submitter. Criteria: Invitae Variant Classification Sherloc (09022015). Collection method: clinical testing. Allele origin: germline.
Comment: This sequence change replaces glycine, which is neutral and non-polar, with cysteine, which is neutral and slightly polar, at codon 132 of the CEBPA protein (p.Gly132Cys). This variant is present in population databases (no rsID available, gnomAD 0.06%). This variant has not been reported in the literature in individuals affected with CEBPA-related conditions. ClinVar contains an entry for this variant (Variation ID: 1806793). Invitae Evidence Modeling of protein sequence and biophysical properties (such as structural, functional, and spatial information, amino acid conservation, physicochemical variation, residue mobility, and thermodynamic stability) indicates that this missense variant is not expected to disrupt CEBPA protein function with a negative predictive value of 80%. In summary, the available evidence is currently insufficient to determine the role of this variant in disease. Therefore, it has been classified as a Variant of Uncertain Significance.

Ambry Genetics
Classification: Uncertain significance for Inborn genetic diseases. Last evaluated: 2025-04-06. Review status: criteria provided, single submitter. Criteria: Ambry Variant Classification Scheme 2023. Collection method: clinical testing. Allele origin: germline.
Comment: The p.G132C variant (also known as c.394G>T), located in coding exon 1 of the CEBPA gene, results from a G to T substitution at nucleotide position 394. The glycine at codon 132 is replaced by cysteine, an amino acid with highly dissimilar properties. This amino acid position is conserved. In addition, this alteration is predicted to be tolerated by in silico analysis. Based on the available evidence, the clinical significance of this variant remains unclear.

GeneDx
Classification: Uncertain significance. Last evaluated: 2023-06-29. Review status: criteria provided, single submitter. Criteria: GeneDx Variant Classification Process June 2021. Collection method: clinical testing. Allele origin: germline. Affected: yes.
Comment: Not observed at significant frequency in large population cohorts (gnomAD); In silico analysis supports that this missense variant has a deleterious effect on protein structure/function; Has not been previously published as pathogenic or benign to our knowledge; This variant is associated with the following publications: (PMID: 21455213)

NM_004364.5(CEBPA):c.394G>T (p.Gly132Cys)

Gene: CEBPA (CCAAT enhancer binding protein alpha; minus strand). Cytogenetic location: 19q13.11.
Variant type: single nucleotide variant.
Coding change: c.394G>T on transcript NM_004364.5 (MANE Select); coding-DNA position 394, G replaced by T.
Protein change: p.Gly132Cys; replaces glycine 132 with cysteine.
Molecular consequence: missense variant.
Genome position (GRCh38, 1-based): chr19:33,302,021, C>A on the plus strand (G>T on the coding strand, the complement: CEBPA is on the minus strand). VCF-style: chr19-33302021-C-A. GRCh37 (hg19) VCF-style: chr19-33792927-C-A.
Other names: c.37G>T, p.Gly13Cys (NM_001285829.2); c.499G>T, p.Gly167Cys (NM_001287424.2); c.352G>T, p.Gly118Cys (NM_001287435.2); short protein forms G118C, G132C, G13C, G167C.
Identifiers: ClinVar variation 1806793 (VCV001806793.6), dbSNP rs1038352346, ClinGen allele CA307844320.
Genomic context (GRCh38, chr19:33,302,021, plus strand): 5'-CCCCGACGCGCTCGTACAGGGGCTCCAGCCTGCCGTCCAGGTAGCCGGCGGCCGCGCAGC[C>A]GTAGCCGGGCGGGGGCCCGTGCGCTCCCCCGGGCATGACGGCGCCGCCGGGGCCCGCGGG-3'
Protein context (NP_004355.2, residues 122-142): GGAHGPPPGY[Gly132Cys]CAAAGYLDGR